The following is an entry in ClinVar:

ClinVar aggregate classification (germline): Pathogenic. Review status: criteria provided, multiple submitters, no conflicts (2 of 4 stars). 2 submissions from 2 submitters: Pathogenic (2). Last evaluated 2021-03-31.

Conditions:
Rare genetic deafness. Identifiers: Orphanet 96210, MedGen C5680250.
Autosomal recessive nonsyndromic hearing loss 7. Also called: DEAFNESS, AUTOSOMAL RECESSIVE 11. Identifiers: Orphanet 90636, MedGen C1832978, MONDO:0010967, OMIM 600974.
Autosomal dominant nonsyndromic hearing loss 36. Identifiers: Orphanet 90635, MedGen C1847626, MONDO:0011708, OMIM 606705.

Submissions (2):

GeneDx
Classification: Pathogenic. Last evaluated: 2021-03-31. Review status: criteria provided, single submitter. Criteria: GeneDx Variant Classification Process June 2021. Collection method: clinical testing. Allele origin: germline. Affected: yes.
Comment: Frameshift variant predicted to result in protein truncation or nonsense mediated decay in a gene for which loss-of-function is a known mechanism of disease; Not observed in large population cohorts (Lek et al., 2016); Has not been previously published as pathogenic or benign to our knowledge

Laboratory for Molecular Medicine, Mass General Brigham Personalized Medicine
Classification: Pathogenic for Rare genetic deafness. Last evaluated: 2015-06-04. Review status: criteria provided, single submitter. Criteria: LMM Criteria. Collection method: clinical testing. Allele origin: germline. Inheritance: Autosomal recessive inheritance. Observed: 2 variant alleles.
Comment: This variant is absent from large population studies. This frameshift variant is predicted to a lter the protein's amino acid sequence beginning at position 413 and lead to a p remature termination codon 4 amino acids downstream. This alteration is then pre dicted to lead to a truncated or absent protein. Loss of function variants affec ting both copies of TMC1 is an established disease mechanism for nonsyndromic au tosomal recessive hearing loss. In summary, this variant meets our criteria to b e classified as pathogenic for hearing loss in an autosomal recessive manner bas ed upon the predicted impact of the variant.

NM_138691.3(TMC1):c.1236del (p.Met413fs)

Gene: TMC1 (transmembrane channel like 1; plus strand). Cytogenetic location: 9q21.13.
Variant type: Deletion.
Coding change: c.1236del on transcript NM_138691.3 (MANE Select); coding-DNA position 1236, one base deleted (T; older notation c.1236delT).
Protein change: p.Met413fs; shifts the reading frame from methionine 413.
Molecular consequence: frameshift variant.
Genome position (GRCh38, 1-based): chr9:72,791,897, T deleted; the last of 2 consecutive T bases (chr9:72,791,896-72,791,897); deleting either gives the same sequence. VCF-style (leftmost placement, unchanged base first): chr9-72791895-GT-G. GRCh37 (hg19) VCF-style: chr9-75406811-GT-G.
Other names: c.1236delT (NM_138691.2); short protein forms M413fs.
Identifiers: ClinVar variation 228405 (VCV000228405.10), dbSNP rs876657727, ClinGen allele CA10576753.